The following is an entry in ClinVar:

ClinVar aggregate classification (germline): Uncertain significance (1 of 4 stars; one submission).

Conditions:
Dilated cardiomyopathy 1J (CMD1J). Also called: CARDIOMYOPATHY, DILATED, WITH SENSORINEURAL HEARING LOSS, AUTOSOMAL DOMINANT. Identifiers: Orphanet 217622, MedGen C1854368, MONDO:0011541, OMIM 605362.

Allele frequency attached by ClinVar (database versions not stated): gnomAD exomes below 0.00001 and 0.00001.
gnomAD v4.1: 2 of 1,613,846 alleles (0.00012%); highest among the groups gnomAD compares: Non-Finnish European, 0.00017%; no homozygotes.

Submission:

Labcorp Genetics (formerly Invitae), Labcorp
Classification: Uncertain significance for Dilated cardiomyopathy 1J. Last evaluated: 2023-08-17. Review status: criteria provided, single submitter. Criteria: Invitae Variant Classification Sherloc (09022015). Collection method: clinical testing. Allele origin: germline.
Comment: This sequence change falls in intron 4 of the EYA4 gene. It does not directly change the encoded amino acid sequence of the EYA4 protein. It affects a nucleotide within the consensus splice site. This variant is present in population databases (no rsID available, gnomAD 0.002%). This variant has not been reported in the literature in individuals affected with EYA4-related conditions. ClinVar contains an entry for this variant (Variation ID: 1382229). Variants that disrupt the consensus splice site are a relatively common cause of aberrant splicing (PMID: 17576681, 9536098). Algorithms developed to predict the effect of sequence changes on RNA splicing suggest that this variant is not likely to affect RNA splicing. In summary, the available evidence is currently insufficient to determine the role of this variant in disease. Therefore, it has been classified as a Variant of Uncertain Significance.

Literature cited by the submitters: PubMed 17576681; PubMed 9536098.

NM_004100.5(EYA4):c.208+3A>G

Gene: EYA4 (EYA transcriptional coactivator and phosphatase 4; plus strand). Cytogenetic location: 6q23.2.
Variant type: single nucleotide variant.
Coding change: c.208+3A>G on transcript NM_004100.5 (MANE Select); 3 bases into the intron after coding-DNA position 208, A replaced by G.
Molecular consequence: intron variant.
Genome position (GRCh38, 1-based): chr6:133,446,757, A>G. VCF-style: chr6-133446757-A-G. GRCh37 (hg19) VCF-style: chr6-133767895-A-G.
Other names: c.208+3A>G (NM_001301013.2, NM_172105.4, NM_001370458.1 and 3 more transcripts).
Identifiers: ClinVar variation 1382229 (VCV001382229.6), dbSNP rs1234788716, ClinGen allele CA570658615.
Genomic context (GRCh38, chr6:133,446,757, plus strand): 5'-TCCAAACTGGAAAAATCTAATCTCAGCAGCACATCAGTTACTACAAATGGGACAGGAGGT[A>G]AGTGTACTACCCTGAAGATACCCAGAATCATATTTCAATGTTTGCTTTAATTTTACTTCT-3'